The following is an entry in ClinVar:

ClinVar aggregate classification (germline): Conflicting classifications of pathogenicity. Review status: criteria provided, conflicting classifications (1 of 4 stars). 2 submissions from 2 submitters: Uncertain significance (1); Likely benign (1). Last evaluated 2025-04-01.

Conditions:
Inborn genetic diseases. Identifiers: MedGen C0950123, MeSH D030342.

Allele frequency attached by ClinVar (database versions not stated): ExAC 0.00001; gnomAD 0.00001; gnomAD exomes 0.00001; TOPMed 0.00001.

Submissions (2):

CeGaT Center for Human Genetics Tuebingen
Classification: Likely benign. Last evaluated: 2025-04-01. Review status: criteria provided, single submitter. Criteria: CeGaT Center For Human Genetics Tuebingen Variant Classification Criteria Version 2. Collection method: clinical testing. Allele origin: germline. Affected: yes. Observed: 1 variant allele.
Comment: KDM6B: BP4

Ambry Genetics
Classification: Uncertain significance for Inborn genetic diseases. Last evaluated: 2021-04-09. Review status: criteria provided, single submitter. Criteria: Ambry Variant Classification Scheme 2023. Collection method: clinical testing. Allele origin: germline.

NM_001348716.2(KDM6B):c.3937C>T (p.Pro1313Ser)

Genes: KDM6B (lysine demethylase 6B; plus strand), LOC121587574 (Sharpr-MPRA regulatory region 3930; plus strand). Cytogenetic location: 17p13.1.
Variant type: single nucleotide variant.
Coding change: c.3937C>T on transcript NM_001348716.2 (MANE Select); coding-DNA position 3937, C replaced by T.
Protein change: p.Pro1313Ser; replaces proline 1313 with serine.
Molecular consequence: missense variant.
Genome position (GRCh38, 1-based): chr17:7,851,387, C>T. VCF-style: chr17-7851387-C-T. GRCh37 (hg19) VCF-style: chr17-7754705-C-T.
Other names: c.3937C>T, p.Pro1313Ser (NM_001080424.2); short protein forms P1313S.
Identifiers: ClinVar variation 2210989 (VCV002210989.9), dbSNP rs758603417, ClinGen allele CA8361302.